The following is an entry in ClinVar:

NM_001348716.2(KDM6B):c.4658G>A (p.Ser1553Asn)

Gene: KDM6B (lysine demethylase 6B; plus strand). Cytogenetic location: 17p13.1.
Variant type: single nucleotide variant.
Coding change: c.4658G>A on transcript NM_001348716.2 (MANE Select); coding-DNA position 4658, G replaced by A.
Protein change: p.Ser1553Asn; replaces serine 1553 with asparagine.
Molecular consequence: missense variant.
Genome position (GRCh38, 1-based): chr17:7,853,047, G>A. VCF-style: chr17-7853047-G-A. GRCh37 (hg19) VCF-style: chr17-7756365-G-A.
Other names: c.4658G>A, p.Ser1553Asn (NM_001080424.2); short protein forms S1553N.
Identifiers: ClinVar variation 3348980 (VCV003348980.1).

ClinVar aggregate classification (germline): Uncertain significance (0 of 4 stars; one submission).

Conditions:
KDM6B-related disorder. Also called: KDM6B-related condition.

Submission:

PreventionGenetics, part of Exact Sciences
Classification: Uncertain significance for KDM6B-related condition. Last evaluated: 2024-04-12. Review status: no assertion criteria provided. Collection method: clinical testing. Allele origin: germline.
Comment: The KDM6B c.4658G>A variant is predicted to result in the amino acid substitution p.Ser1553Asn. To our knowledge, this variant has not been reported in the literature or in a large population database, indicating this variant is rare. At this time, the clinical significance of this variant is uncertain due to the absence of conclusive functional and genetic evidence.